The following is an entry in ClinVar:

NM_001953.5(TYMP):c.928+1G>A

Genes: TYMP (thymidine phosphorylase; minus strand), LOC130067862 (ATAC-STARR-seq lymphoblastoid silent region 13986; plus strand). Cytogenetic location: 22q13.33.
Variant type: single nucleotide variant.
Coding change: c.928+1G>A on transcript NM_001953.5 (MANE Select); the canonical splice donor site of the intron after coding-DNA position 928, G replaced by A.
Molecular consequence: splice donor variant.
Genome position (GRCh38, 1-based): chr22:50,526,575, C>T on the plus strand (G>A on the coding strand, the complement: TYMP is on the minus strand). VCF-style: chr22-50526575-C-T. GRCh37 (hg19) VCF-style: chr22-50965004-C-T.
Other names: c.928+1G>A (NM_001257989.1, NM_001257988.1, NM_001113755.3 and 1 more transcripts).
Identifiers: ClinVar variation 223062 (VCV000223062.6), dbSNP rs1064792876, ClinGen allele CA16616800.

ClinVar aggregate classification (germline): Pathogenic/Likely pathogenic. Review status: criteria provided, multiple submitters, no conflicts (2 of 4 stars). 3 submissions from 3 submitters: Pathogenic (1); Likely pathogenic (1). 1 of the submissions does not count toward it. Last evaluated 2024-05-27.

Conditions:
Mitochondrial DNA depletion syndrome 1. Also called: Mitochondrial neurogastrointestinal encephalomyopathy syndrome; Mitochondrial DNA Depletion Syndrome, MNGIE Form; Mitochondrial DNA depletion syndrome 1 (MNGIE type); Mitochondrial Neurogastrointestinal Encephalopathy Disease; MITOCHONDRIAL NEUROGASTROINTESTINAL ENCEPHALOPATHY SYNDROME, TYMP-RELATED; MNGIE, TYMP-RELATED. Identifiers: Orphanet 298, MedGen C4551995, MONDO:0011283, OMIM 603041.

Submissions (3):

Laboratorio de Genetica e Diagnostico Molecular, Hospital Israelita Albert Einstein
Classification: Likely pathogenic for Mitochondrial DNA depletion syndrome 1. Last evaluated: 2024-05-27. Review status: criteria provided, single submitter. Criteria: ACMG Guidelines, 2015. Collection method: clinical testing. Allele origin: germline. Affected: yes.
Comment: ACMG classification criteria: PVS1 very strong, PM2 supporting

Revvity Omics, Revvity
Classification: Pathogenic for Mitochondrial DNA depletion syndrome 1. Last evaluated: 2019-06-12. Review status: criteria provided, single submitter. Criteria: ACMG Guidelines, 2015. Collection method: clinical testing. Allele origin: germline.

GeneReviews
Classification: Pathogenic for Mitochondrial DNA depletion syndrome 1. Last evaluated: 2016-01-14. Review status: no assertion criteria provided. Collection method: literature only. Allele origin: germline. Affected: yes. Not counted in ClinVar's aggregate classification.

Literature cited by the submitters: PubMed 15781193 (cited by GeneReviews).